The following is an entry in ClinVar:

ClinVar aggregate classification (germline): Conflicting classifications of pathogenicity. Review status: criteria provided, conflicting classifications (1 of 4 stars). 2 submissions from 2 submitters: Pathogenic (1); Uncertain significance (1). Last evaluated 2025-01-09.

Conditions:
Waardenburg syndrome type 4C (WS4C). Also called: WAARDENBURG SYNDROME WITH HIRSCHSPRUNG DISEASE, TYPE 4C. Identifiers: Orphanet 897, MedGen C2750452, MONDO:0013202, OMIM 613266.

gnomAD v4.1: 1 of 1,596,464 alleles (0.000063%); highest among the groups gnomAD compares: Non-Finnish European, 0.000085%; no homozygotes.

Submissions (2):

Institute of Rare Diseases, West China Hospital, Sichuan University
Classification: Pathogenic for Waardenburg syndrome type 4C. Last evaluated: 2025-01-09. Review status: criteria provided, single submitter. Criteria: ClinGen HL ACMG Specifications v1. Collection method: research. Allele origin: germline. Affected: yes.
Comment: PM1;PS2;PM5;PM2_Supporting;PP3

Blueprint Genetics
Classification: Uncertain significance. Last evaluated: 2021-07-13. Review status: criteria provided, single submitter. Criteria: ACMG Guidelines, 2015. Collection method: clinical testing. Allele origin: germline.

NM_006941.4(SOX10):c.476G>A (p.Arg159Gln)

Genes: POLR2F (RNA polymerase II, I and III subunit F; plus strand), SOX10 (SRY-box transcription factor 10; minus strand). Cytogenetic location: 22q13.1.
Variant type: single nucleotide variant.
Coding change: c.476G>A on transcript NM_006941.4 (MANE Select); coding-DNA position 476, G replaced by A.
Protein change: p.Arg159Gln; replaces arginine 159 with glutamine.
Molecular consequence: missense variant. On other transcripts: intron variant (3).
Genome position (GRCh38, 1-based): chr22:37,978,088, C>T on the plus strand (G>A on the coding strand, the complement: SOX10 is on the minus strand). VCF-style: chr22-37978088-C-T. GRCh37 (hg19) VCF-style: chr22-38374095-C-T.
Other names: c.*38+5778C>T (NM_001363825.1); c.294-8066C>T (NM_001301130.2); c.293+10918C>T (NM_001301131.2); short protein forms R159Q.
Identifiers: ClinVar variation 3601840 (VCV003601840.2).